The following is an entry in ClinVar:

NM_152564.5(VPS13B):c.1309A>G (p.Met437Val)

Gene: VPS13B (vacuolar protein sorting 13 homolog B; plus strand). Cytogenetic location: 8q22.2.
Variant type: single nucleotide variant.
Coding change: c.1309A>G on transcript NM_152564.5 (MANE Select); coding-DNA position 1309, A replaced by G.
Protein change: p.Met437Val; replaces methionine 437 with valine.
Molecular consequence: missense variant.
Genome position (GRCh38, 1-based): chr8:99,135,021, A>G. VCF-style: chr8-99135021-A-G. GRCh37 (hg19) VCF-style: chr8-100147249-A-G.
Other names: c.1309A>G, p.Met437Val (NM_015243.3, NM_017890.5); short protein forms M437V.
Identifiers: ClinVar variation 1922120 (VCV001922120.2), dbSNP rs2488760045, ClinGen allele CA371862641.
Genomic context (GRCh38, chr8:99,135,021, plus strand): 5'-TAACATTTTTATTAAATTCAATTCTTAGTTCTAATGTTTCCTTTCGTCTTATAGGCCCTT[A>G]TGATGGGAGAACCTTTCTTTGATTGCCAGATTGGGTTTGTTGGTTGCAGAGCCATGTGCC-3'
Protein context (NP_689777.3, residues 427-447): EQEGTTVEAL[Met437Val]MGEPFFDCQI

ClinVar aggregate classification (germline): Uncertain significance (1 of 4 stars; one submission).

Conditions:
Cohen syndrome (COH1). Also called: Cutis verticis gyrata, retinitis pigmentosa, and sensorineural deafness; PEPPER SYNDROME. Identifiers: Orphanet 193, MedGen C0265223, MONDO:0008999, OMIM 216550.

Allele frequency attached by ClinVar (database versions not stated): gnomAD exomes below 0.00001.
gnomAD v4.1: 2 of 1,613,522 alleles (0.00012%); highest among the groups gnomAD compares: Non-Finnish European, 0.00017%; no homozygotes.

Submission:

Labcorp Genetics (formerly Invitae), Labcorp
Classification: Uncertain significance for Cohen syndrome. Last evaluated: 2022-05-17. Review status: criteria provided, single submitter. Criteria: Invitae Variant Classification Sherloc (09022015). Collection method: clinical testing. Allele origin: germline.
Comment: This sequence change replaces methionine, which is neutral and non-polar, with valine, which is neutral and non-polar, at codon 437 of the VPS13B protein (p.Met437Val). This variant is not present in population databases (gnomAD no frequency). This variant has not been reported in the literature in individuals affected with VPS13B-related conditions. Algorithms developed to predict the effect of missense changes on protein structure and function are either unavailable or do not agree on the potential impact of this missense change (SIFT: "Not Available"; PolyPhen-2: "Benign"; Align-GVGD: "Not Available"). In summary, the available evidence is currently insufficient to determine the role of this variant in disease. Therefore, it has been classified as a Variant of Uncertain Significance.